The following is an entry in ClinVar:

ClinVar aggregate classification (germline): Benign/Likely benign. Review status: criteria provided, multiple submitters, no conflicts (2 of 4 stars). 4 submissions from 4 submitters: Benign (1); Likely benign (2). 1 of the submissions does not count toward it. Last evaluated 2026-01-19.

Conditions:
CRB1-related disorder. Also called: CRB1-related disorders; CRB1-related condition.
Leber congenital amaurosis (LCA). Also called: Leber's amaurosis. Identifiers: Orphanet 65, MedGen C0339527, MeSH D057130, MONDO:0018998.
Leber congenital amaurosis 8 (LCA8). Identifiers: Orphanet 65, MedGen C3151202, MONDO:0013453, OMIM 613835.
Retinitis pigmentosa 12 (RP12). Also called: RP WITH OR WITHOUT PPRPE; RP WITH OR WITHOUT PRESERVED PARAARTERIOLE RETINAL PIGMENT EPITHELIUM; RETINITIS PIGMENTOSA WITH OR WITHOUT PARAARTERIOLAR PRESERVATION OF RETINAL PIGMENT EPITHELIUM. Identifiers: Orphanet 791, MedGen C1838647, MONDO:0010818, OMIM 600105.

Allele frequency attached by ClinVar (database versions not stated): gnomAD 0.00001; gnomAD exomes 0.00003 and 0.00016; TOPMed 0.00020; ExAC 0.00026.
gnomAD v4.1: 48 of 1,614,054 alleles (0.003%); highest among the groups gnomAD compares: Admixed American, 0.072%; 1 homozygote.

Submissions (4):

Labcorp Genetics (formerly Invitae), Labcorp
Classification: Benign for Leber congenital amaurosis 8; Retinitis pigmentosa 12. Last evaluated: 2026-01-19. Review status: criteria provided, single submitter. Criteria: Invitae Variant Classification Sherloc (09022015). Collection method: clinical testing. Allele origin: germline.

PreventionGenetics, part of Exact Sciences
Classification: Likely benign for CRB1-related condition. Last evaluated: 2024-12-09. Review status: criteria provided, single submitter. Criteria: ACMG Guidelines, 2015. Collection method: clinical testing. Allele origin: germline.
Comment: This variant is classified as likely benign based on ACMG/AMP sequence variant interpretation guidelines (Richards et al. 2015 PMID: 25741868, with internal and published modifications).

Blueprint Genetics
Classification: Likely benign. Last evaluated: 2021-11-04. Review status: criteria provided, single submitter. Criteria: ACMG Guidelines, 2015. Collection method: clinical testing. Allele origin: germline.

Natera, Inc.
Classification: Likely benign for Leber congenital amaurosis. Last evaluated: 2020-10-28. Review status: no assertion criteria provided. Collection method: clinical testing. Allele origin: germline. Not counted in ClinVar's aggregate classification.

NM_201253.3(CRB1):c.1479C>T (p.Phe493=)

Gene: CRB1 (crumbs cell polarity complex component 1; plus strand). Cytogenetic location: 1q31.3.
Variant type: single nucleotide variant.
Coding change: c.1479C>T on transcript NM_201253.3 (MANE Select); coding-DNA position 1479, C replaced by T.
Protein change: p.Phe493=; no amino-acid change (phenylalanine 493 retained).
Molecular consequence: synonymous variant. On other transcripts: non-coding transcript variant (2).
Genome position (GRCh38, 1-based): chr1:197,421,307, C>T. VCF-style: chr1-197421307-C-T. GRCh37 (hg19) VCF-style: chr1-197390437-C-T.
Other names: c.1143C>T, p.Phe381= (NM_001193640.2); c.1272C>T, p.Phe424= (NM_001257965.2); c.1479C>T, p.Phe493= (NM_001257966.2).
Identifiers: ClinVar variation 710792 (VCV000710792.13), dbSNP rs770919155, ClinGen allele CA1311927.